The following is an entry in ClinVar:

ClinVar aggregate classification (germline): Uncertain significance (1 of 4 stars; one submission).

gnomAD v4.1: 1 of 1,512,870 alleles (0.000066%); highest among the groups gnomAD compares: Non-Finnish European, 0.000089%; no homozygotes.

Submission:

Mayo Clinic Laboratories, Mayo Clinic
Classification: Uncertain significance. Last evaluated: 2025-11-26. Review status: criteria provided, single submitter. Criteria: ACMG Guidelines, 2015. Collection method: clinical testing. Allele origin: germline. Observed: 1 variant allele.
Comment: PM2_supporting

NM_005228.5(EGFR):c.76G>A (p.Glu26Lys)

Gene: EGFR (epidermal growth factor receptor; plus strand). Cytogenetic location: 7p11.2.
Variant type: single nucleotide variant.
Coding change: c.76G>A on transcript NM_005228.5 (MANE Select); coding-DNA position 76, G replaced by A.
Protein change: p.Glu26Lys; replaces glutamic acid 26 with lysine.
Molecular consequence: missense variant.
Genome position (GRCh38, 1-based): chr7:55,019,353, G>A. VCF-style: chr7-55019353-G-A. GRCh37 (hg19) VCF-style: chr7-55087046-G-A.
Other names: p.Glu26Lys; c.76G>A, p.Glu26Lys (NM_001346897.2, NM_001346898.2, NM_001346899.2 and 4 more transcripts); short protein forms E26K.
Identifiers: ClinVar variation 4541291 (VCV004541291.1).